The following is an entry in ClinVar:

NM_003982.4(SLC7A7):c.-42-11C>T

Gene: SLC7A7 (solute carrier family 7 member 7; minus strand). Cytogenetic location: 14q11.2.
Variant type: single nucleotide variant.
Coding change: c.-42-11C>T on transcript NM_003982.4 (MANE Select); 11 bases into the intron before 42 bases upstream of the start codon, C replaced by T.
Molecular consequence: intron variant.
Genome position (GRCh38, 1-based): chr14:22,813,451, G>A on the plus strand (C>T on the coding strand, the complement: SLC7A7 is on the minus strand). VCF-style: chr14-22813451-G-A. GRCh37 (hg19) VCF-style: chr14-23282660-G-A.
Other names: c.-42-11C>T (NM_001126106.4, NM_001126105.3).
Identifiers: ClinVar variation 312829 (VCV000312829.5), dbSNP rs371332274, ClinGen allele CA7104783.

ClinVar aggregate classification (germline): Likely benign (1 of 4 stars; one submission).

Conditions:
Lysinuric protein intolerance (LPI). Identifiers: Orphanet 470, MedGen C0268647, MONDO:0009109, OMIM 222700.

Allele frequency attached by ClinVar (database versions not stated): gnomAD 0.00003 and 0.00025; TOPMed 0.00006; gnomAD exomes 0.00055 and 0.00120; 1000 Genomes Project 30x 0.00141; ExAC 0.00141; 1000 Genomes Project 0.00180.
gnomAD v4.1: 819 of 1,599,036 alleles (0.051%); highest among the groups gnomAD compares: South Asian, 0.86%; 5 homozygotes.

Submission:

Illumina Laboratory Services, Illumina
Classification: Likely benign for Lysinuric protein intolerance. Last evaluated: 2018-01-12. Review status: criteria provided, single submitter. Criteria: ICSL Variant Classification Criteria 13 December 2019. Collection method: clinical testing. Allele origin: germline.
Comment: This variant was observed in the ICSL laboratory as part of a predisposition screen in an ostensibly healthy population. It had not been previously curated by ICSL or reported in the Human Gene Mutation Database (HGMD: prior to June 1st, 2018), and was therefore a candidate for classification through an automated scoring system. Utilizing variant allele frequency, disease prevalence and penetrance estimates, and inheritance mode, an automated score was calculated to assess if this variant is too frequent to cause the disease. Based on the score and internal cut-off values, a variant classified as likely benign is not then subjected to further curation. The score for this variant resulted in a classification of likely benign for this disease.